The following is an entry in ClinVar:

ClinVar aggregate classification (germline): Likely benign. Review status: criteria provided, multiple submitters, no conflicts (2 of 4 stars). 2 submissions from 2 submitters: Likely benign (2). Last evaluated 2025-06-23.

Conditions:
NF1-related disorder. Also called: NF1-related condition. Identifiers: MedGen CN379171.

Submissions (2):

PreventionGenetics, part of Exact Sciences
Classification: Likely benign for NF1-related condition. Last evaluated: 2025-06-23. Review status: criteria provided, single submitter. Criteria: ACMG Guidelines, 2015. Collection method: clinical testing. Allele origin: germline.
Comment: This variant is classified as likely benign based on ACMG/AMP sequence variant interpretation guidelines (Richards et al. 2015 PMID: 25741868, with internal and published modifications).

Blueprint Genetics
Classification: Likely benign. Last evaluated: 2024-10-15. Review status: criteria provided, single submitter. Criteria: ACMG Guidelines, 2015. Collection method: clinical testing. Allele origin: germline.

NM_001042492.3(NF1):c.1393-587_1393-586del

Gene: NF1 (neurofibromin 1; plus strand). Cytogenetic location: 17q11.2.
Variant type: Deletion.
Coding change: c.1393-587_1393-586del on transcript NM_001042492.3 (MANE Select); 587 bases into the intron before coding-DNA position 1393 through 586 bases into the intron before coding-DNA position 1393, 2 bases deleted (AA; older notation c.1393-587_1393-586delAA).
Molecular consequence: intron variant.
Genome position (GRCh38, 1-based): chr17:31,213,864-31,213,865, AA deleted; deleting any 2 consecutive bases within chr17:31,213,863-31,213,865 gives the same sequence; the c. name uses the placement nearest the transcript's 3' end. VCF-style (leftmost placement, unchanged base first): chr17-31213862-CAA-C. GRCh37 (hg19) VCF-style: chr17-29540880-CAA-C.
Other names: c.1393-587_1393-586delAA (NM_001042492.2); c.1393-587_1393-586del (NM_000267.4, NM_001128147.3).
Identifiers: ClinVar variation 4934480 (VCV004934480.2).
Genomic context (GRCh38, chr17:31,213,862, plus strand): 5'-TTAAAAGAGGTGGAGTGCCGTCGAAGGAAAAAGCAAATTTTACAATTAAACTAGTAAATA[CAA>C]AGATTGCCTACATGTTTCATTAATTCTAAGAAGCACTTATTTTTACTCTTCTCTAAAATT-3'